The following is an entry in ClinVar:

ClinVar aggregate classification (germline): Uncertain significance (1 of 4 stars; one submission).

Conditions:
Werner syndrome (WRN). Identifiers: Orphanet 902, MedGen C0043119, MONDO:0010196, OMIM 277700.

Allele frequency attached by ClinVar (database versions not stated): gnomAD exomes below 0.00001; ExAC 0.00001.
gnomAD v4.1: 3 of 1,613,052 alleles (0.00019%); highest among the groups gnomAD compares: Non-Finnish European, 0.00025%; no homozygotes.

Submission:

Labcorp Genetics (formerly Invitae), Labcorp
Classification: Uncertain significance for Werner syndrome. Last evaluated: 2020-03-17. Review status: criteria provided, single submitter. Criteria: Invitae Variant Classification Sherloc (09022015). Collection method: clinical testing. Allele origin: germline.
Comment: This variant is present in population databases (rs770866944, ExAC 0.002%). This sequence change falls in intron 2 of the WRN gene. It does not directly change the encoded amino acid sequence of the WRN protein, but it affects a nucleotide within the consensus splice site of the intron. This variant has not been reported in the literature in individuals with WRN-related conditions. Nucleotide substitutions within the consensus splice site are a relatively common cause of aberrant splicing (PMID: 17576681, 9536098). Algorithms developed to predict the effect of sequence changes on RNA splicing suggest that this variant is not likely to affect RNA splicing, but this prediction has not been confirmed by published transcriptional studies. In summary, the available evidence is currently insufficient to determine the role of this variant in disease. Therefore, it has been classified as a Variant of Uncertain Significance.

Literature cited by the submitters: PubMed 17576681; PubMed 9536098.

NM_000553.6(WRN):c.96+6T>A

Gene: WRN (WRN RecQ like helicase; plus strand). Cytogenetic location: 8p12.
Variant type: single nucleotide variant.
Coding change: c.96+6T>A on transcript NM_000553.6 (MANE Select); 6 bases into the intron after coding-DNA position 96, T replaced by A.
Molecular consequence: intron variant.
Genome position (GRCh38, 1-based): chr8:31,058,549, T>A. VCF-style: chr8-31058549-T-A. GRCh37 (hg19) VCF-style: chr8-30916065-T-A.
Identifiers: ClinVar variation 1002311 (VCV001002311.4), dbSNP rs770866944, ClinGen allele CA4703968.
Genomic context (GRCh38, chr8:31,058,549, plus strand): 5'-ATGTCCTGAATGGATGAATGTGCAGAATAAAAGATGTGCTGTAGAAGAAAGAAAGGTATG[T>A]TGTTCATTGACTATTCTTTTGGGTGAGAAATTTAATTTATATTTGACTGTGCAAAGAGTC-3'